The following is an entry in ClinVar:

ClinVar aggregate classification (germline): Uncertain significance. Review status: criteria provided, multiple submitters, no conflicts (2 of 4 stars). 3 submissions from 3 submitters: Uncertain significance (3). Last evaluated 2026-01-18.

Conditions:
Hereditary cancer-predisposing syndrome. Also called: Neoplastic Syndromes, Hereditary; Hereditary Cancer Syndrome; Hereditary neoplastic syndrome; Tumor predisposition. Identifiers: Orphanet 140162, MedGen C0027672, MeSH D009386, MONDO:0015356.
Familial cancer of breast. Also called: Hereditary breast cancer; hereditary breast carcinoma; BREAST CANCER, FAMILIAL. Identifiers: Orphanet 227535, MedGen C0346153, MONDO:0016419, OMIM 114480. Disease mechanism: loss of function.

Allele frequency attached by ClinVar (database versions not stated): gnomAD exomes below 0.00001; ExAC 0.00001.
gnomAD v4.1: 2 of 1,614,202 alleles (0.00012%); highest among the groups gnomAD compares: South Asian, 0.0011%; no homozygotes.

Submissions (3):

Labcorp Genetics (formerly Invitae), Labcorp
Classification: Uncertain significance for Familial cancer of breast. Last evaluated: 2026-01-18. Review status: criteria provided, single submitter. Criteria: Invitae Variant Classification Sherloc (09022015). Collection method: clinical testing. Allele origin: germline.
Comment: This sequence change replaces arginine, which is basic and polar, with serine, which is neutral and polar, at codon 725 of the BARD1 protein (p.Arg725Ser). This variant is present in population databases (rs747466434, gnomAD 0.003%). This variant has not been reported in the literature in individuals affected with BARD1-related conditions. ClinVar contains an entry for this variant (Variation ID: 2565205). An algorithm developed to predict the effect of missense changes on protein structure and function (PolyPhen-2) suggests that this variant is likely to be tolerated. In summary, the available evidence is currently insufficient to determine the role of this variant in disease. Therefore, it has been classified as a Variant of Uncertain Significance.

Ambry Genetics
Classification: Uncertain significance for Hereditary cancer-predisposing syndrome. Last evaluated: 2025-11-20. Review status: criteria provided, single submitter. Criteria: Ambry Variant Classification Scheme 2023. Collection method: clinical testing. Allele origin: germline.

GeneDx
Classification: Uncertain significance. Last evaluated: 2024-01-14. Review status: criteria provided, single submitter. Criteria: GeneDx Variant Classification Process June 2021. Collection method: clinical testing. Allele origin: germline. Affected: yes.
Comment: Not observed at significant frequency in large population cohorts (gnomAD); In silico analysis supports that this missense variant does not alter protein structure/function; Has not been previously published as pathogenic or benign to our knowledge; This variant is associated with the following publications: (PMID: 17550235)

NM_000465.4(BARD1):c.2175A>T (p.Arg725Ser)

Gene: BARD1 (BRCA1 associated RING domain 1; minus strand). Cytogenetic location: 2q35.
Variant type: single nucleotide variant.
Coding change: c.2175A>T on transcript NM_000465.4 (MANE Select); coding-DNA position 2175, A replaced by T.
Protein change: p.Arg725Ser; replaces arginine 725 with serine.
Molecular consequence: missense variant. On other transcripts: non-coding transcript variant (3).
Genome position (GRCh38, 1-based): chr2:214,728,835, T>A on the plus strand (A>T on the coding strand, the complement: BARD1 is on the minus strand). VCF-style: chr2-214728835-T-A. GRCh37 (hg19) VCF-style: chr2-215593559-T-A.
Other names: c.2118A>T, p.Arg706Ser (NM_001282543.2); c.822A>T, p.Arg274Ser (NM_001282545.2); c.765A>T, p.Arg255Ser (NM_001282548.2); c.636A>T, p.Arg212Ser (NM_001282549.2); short protein forms R255S, R725S, R212S, R706S, R274S.
Identifiers: ClinVar variation 2565205 (VCV002565205.6), dbSNP rs747466434, ClinGen allele CA2090067.
Genomic context (GRCh38, chr2:214,728,835, plus strand): 5'-ATAATTACACAAATCTTCATAGATGATATACTGTGTGCAGAAGCGCTGATCAGAATCGGG[T>A]CTCGCATGGTATGCGACTGTATTGATGGTCTGAGTCACGTCACTGTCTGGCTTGGGCTTT-3'
Protein context (NP_000456.2, residues 715-735): QTINTVAYHA[Arg725Ser]PDSDQRFCTQ